The following is an entry in ClinVar:

NM_000051.4(ATM):c.2025del (p.Gln675fs)

Gene: ATM (ATM serine/threonine kinase; plus strand). Cytogenetic location: 11q22.3.
Variant type: Deletion.
Coding change: c.2025del on transcript NM_000051.4 (MANE Select); coding-DNA position 2025, one base deleted (G; older notation c.2025delG).
Protein change: p.Gln675fs; shifts the reading frame from glutamine 675.
Molecular consequence: frameshift variant.
Genome position (GRCh38, 1-based): chr11:108,253,940, G deleted. VCF-style (leftmost placement, unchanged base first): chr11-108253939-AG-A. GRCh37 (hg19) VCF-style: chr11-108124666-AG-A.
Other names: c.2025del, p.Gln675fs (NM_001351834.2); short protein forms Q675fs.
Identifiers: ClinVar variation 1784637 (VCV001784637.2), dbSNP rs2497314963, ClinGen allele CA2580082942.

ClinVar aggregate classification (germline): Pathogenic (1 of 4 stars; one submission).

Conditions:
Hereditary cancer-predisposing syndrome. Also called: Neoplastic Syndromes, Hereditary; Tumor predisposition; Hereditary Cancer Syndrome; Hereditary neoplastic syndrome. Identifiers: Orphanet 140162, MedGen C0027672, MeSH D009386, MONDO:0015356.

Submission:

Ambry Genetics
Classification: Pathogenic for Hereditary cancer-predisposing syndrome. Last evaluated: 2021-03-10. Review status: criteria provided, single submitter. Criteria: Ambry Variant Classification Scheme 2023. Collection method: clinical testing. Allele origin: germline.
Comment: The c.2025delG pathogenic mutation, located in coding exon 12 of the ATM gene, results from a deletion of one nucleotide at nucleotide position 2025, causing a translational frameshift with a predicted alternate stop codon (p.Q675Hfs*28). This alteration is expected to result in loss of function by premature protein truncation or nonsense-mediated mRNA decay. As such, this alteration is interpreted as a disease-causing mutation.